The following is an entry in ClinVar:

ClinVar aggregate classification (germline): Likely benign (1 of 4 stars; one submission).

gnomAD v4.1: 17 of 1,555,086 alleles (0.0011%); highest among the groups gnomAD compares: Middle Eastern, 0.017%; no homozygotes.

Submission:

CeGaT Center for Human Genetics Tuebingen
Classification: Likely benign. Last evaluated: 2022-09-01. Review status: criteria provided, single submitter. Criteria: CeGaT Center For Human Genetics Tuebingen Variant Classification Criteria Version 2. Collection method: clinical testing. Allele origin: germline. Affected: yes. Observed: 1 variant allele.
Comment: PPP1R12C: BP4, BP7

NM_017607.4(PPP1R12C):c.801G>A (p.Ala267=)

Gene: PPP1R12C (protein phosphatase 1 regulatory subunit 12C; minus strand). Cytogenetic location: 19q13.42.
Variant type: single nucleotide variant.
Coding change: c.801G>A on transcript NM_017607.4 (MANE Select); coding-DNA position 801, G replaced by A.
Protein change: p.Ala267=; no amino-acid change (alanine 267 retained).
Molecular consequence: synonymous variant.
Genome position (GRCh38, 1-based): chr19:55,099,026, C>T on the plus strand (G>A on the coding strand, the complement: PPP1R12C is on the minus strand). VCF-style: chr19-55099026-C-T. GRCh37 (hg19) VCF-style: chr19-55610394-C-T.
Other names: c.801G>A, p.Ala267= (NM_001271618.2).
Identifiers: ClinVar variation 2650509 (VCV002650509.24), dbSNP rs757621931, ClinGen allele CA9667029.
Genomic context (GRCh38, chr19:55,099,026, plus strand): 5'-GTCCATGCCCCCGCCATGCTCGGCCAGCAGGCGGCAGGCATCCTCCACGCCCCAGTGTGC[C>T]GCTGCGTGCAGGGGAGTCCAGCCGTCCCCGTCCCGGAGCTCTGGGTCGTAGCCAGCCTGA-3'
Protein context (NP_060077.1, residues 257-277): DGDGWTPLHA[Ala267=]AHWGVEDACR